The following is an entry in ClinVar:

NM_000138.5(FBN1):c.2199T>G (p.Ile733Met)

Gene: FBN1 (fibrillin 1; minus strand). Cytogenetic location: 15q21.1.
Variant type: single nucleotide variant.
Coding change: c.2199T>G on transcript NM_000138.5 (MANE Select); coding-DNA position 2199, T replaced by G.
Protein change: p.Ile733Met; replaces isoleucine 733 with methionine.
Molecular consequence: missense variant.
Genome position (GRCh38, 1-based): chr15:48,497,360, A>C on the plus strand (T>G on the coding strand, the complement: FBN1 is on the minus strand). VCF-style: chr15-48497360-A-C. GRCh37 (hg19) VCF-style: chr15-48789557-A-C.
Other names: c.2199T>G, p.Ile733Met (NM_001406716.1); short protein forms I733M.
Identifiers: ClinVar variation 4976345 (VCV004976345.1).

ClinVar aggregate classification (germline): Uncertain significance (1 of 4 stars; one submission).

Submission:

GeneDx
Classification: Uncertain significance. Last evaluated: 2026-02-06. Review status: criteria provided, single submitter. Criteria: GeneDx Variant Classification Process June 2021. Collection method: clinical testing. Allele origin: germline.
Comment: Not observed at significant frequency in large population cohorts (gnomAD); In silico analysis suggests that this missense variant does not alter protein structure/function; Has not been previously published as pathogenic or benign to our knowledge; Does not affect a cysteine or calcium-binding residue within an EGF-like domain or a TGF-binding protein domain of the FBN1 gene; cysteine substitutions in the EGF-like domains represent the majority of pathogenic missense changes associated with FBN1-related disorders (PMID: 12938084); This variant is associated with the following publications: (PMID: 12938084)